The following is an entry in ClinVar:

ClinVar aggregate classification (germline): Uncertain significance (1 of 4 stars; one submission).

Allele frequency attached by ClinVar (database versions not stated): TOPMed below 0.00001.
gnomAD v4.1: 1 of 1,524,890 alleles (0.000066%); highest among the groups gnomAD compares: East Asian, 0.0025%; no homozygotes.

Submission:

Labcorp Genetics (formerly Invitae), Labcorp
Classification: Uncertain significance. Last evaluated: 2022-11-22. Review status: criteria provided, single submitter. Criteria: Invitae Variant Classification Sherloc (09022015). Collection method: clinical testing. Allele origin: germline.
Comment: This variant is not present in population databases (gnomAD no frequency). This sequence change replaces proline, which is neutral and non-polar, with glutamine, which is neutral and polar, at codon 27 of the P3H2 protein (p.Pro27Gln). This variant has not been reported in the literature in individuals affected with P3H2-related conditions. ClinVar contains an entry for this variant (Variation ID: 1369309). Algorithms developed to predict the effect of missense changes on protein structure and function output the following: SIFT: "Tolerated"; PolyPhen-2: "Benign"; Align-GVGD: "Class C0". The glutamine amino acid residue is found in multiple mammalian species, which suggests that this missense change does not adversely affect protein function. In summary, the available evidence is currently insufficient to determine the role of this variant in disease. Therefore, it has been classified as a Variant of Uncertain Significance.

NM_018192.4(P3H2):c.80C>A (p.Pro27Gln)

Gene: P3H2 (prolyl 3-hydroxylase 2; minus strand). Cytogenetic location: 3q28.
Variant type: single nucleotide variant.
Coding change: c.80C>A on transcript NM_018192.4 (MANE Select); coding-DNA position 80, C replaced by A.
Protein change: p.Pro27Gln; replaces proline 27 with glutamine.
Molecular consequence: missense variant. On other transcripts: intron variant (1).
Genome position (GRCh38, 1-based): chr3:190,120,652, G>T on the plus strand (C>A on the coding strand, the complement: P3H2 is on the minus strand). VCF-style: chr3-190120652-G-T. GRCh37 (hg19) VCF-style: chr3-189838441-G-T.
Other names: c.-64+1551C>A (NM_001134418.2); short protein forms P27Q.
Identifiers: ClinVar variation 1369309 (VCV001369309.8), dbSNP rs767495929, ClinGen allele CA355860211.